The following is an entry in ClinVar:

ClinVar aggregate classification (germline): Uncertain significance (1 of 4 stars; one submission).

Conditions:
Cardiovascular phenotype. Identifiers: MedGen CN230736.

gnomAD v4.1: 2 of 1,609,994 alleles (0.00012%); highest among the groups gnomAD compares: Non-Finnish European, 0.00017%; no homozygotes.

Submission:

Ambry Genetics
Classification: Uncertain significance for Cardiovascular phenotype. Last evaluated: 2024-08-25. Review status: criteria provided, single submitter. Criteria: Ambry Variant Classification Scheme 2023. Collection method: clinical testing. Allele origin: germline.
Comment: The p.N279K variant (also known as c.837T>A), located in coding exon 6 of the SCN10A gene, results from a T to A substitution at nucleotide position 837. The asparagine at codon 279 is replaced by lysine, an amino acid with similar properties. This amino acid position is conserved. In addition, this alteration is predicted to be tolerated by in silico analysis. Based on the available evidence, the clinical significance of this variant remains unclear.

NM_006514.4(SCN10A):c.837T>A (p.Asn279Lys)

Gene: SCN10A (sodium voltage-gated channel alpha subunit 10; minus strand). Cytogenetic location: 3p22.2.
Variant type: single nucleotide variant.
Coding change: c.837T>A on transcript NM_006514.4 (MANE Select); coding-DNA position 837, T replaced by A.
Protein change: p.Asn279Lys; replaces asparagine 279 with lysine.
Molecular consequence: missense variant.
Genome position (GRCh38, 1-based): chr3:38,761,238, A>T on the plus strand (T>A on the coding strand, the complement: SCN10A is on the minus strand). VCF-style: chr3-38761238-A-T. GRCh37 (hg19) VCF-style: chr3-38802729-A-T.
Other names: c.837T>A, p.Asn279Lys (NM_001293306.2, NM_001293307.2); short protein forms N279K.
Identifiers: ClinVar variation 3438107 (VCV003438107.1).